The following is an entry in ClinVar:

NM_138694.4(PKHD1):c.2489A>G (p.Asn830Ser)

Gene: PKHD1 (PKHD1 ciliary IPT domain containing fibrocystin/polyductin; minus strand). Cytogenetic location: 6p12.2.
Variant type: single nucleotide variant.
Coding change: c.2489A>G on transcript NM_138694.4 (MANE Select); coding-DNA position 2489, A replaced by G.
Protein change: p.Asn830Ser; replaces asparagine 830 with serine.
Molecular consequence: missense variant.
Genome position (GRCh38, 1-based): chr6:52,046,107, T>C on the plus strand (A>G on the coding strand, the complement: PKHD1 is on the minus strand). VCF-style: chr6-52046107-T-C. GRCh37 (hg19) VCF-style: chr6-51910905-T-C.
Other names: NM_138694.3(PKHD1):c.2489A>G(p.Asn830Ser); NM_170724.2(PKHD1):c.2489A>G(p.Asn830Ser); c.2489A>G, p.Asn830Ser (NM_170724.3); short protein forms N830S.
Identifiers: ClinVar variation 96391 (VCV000096391.37), dbSNP rs62406032, ClinGen allele CA149506.

ClinVar aggregate classification (germline): Benign. Review status: criteria provided, multiple submitters, no conflicts (2 of 4 stars). 13 submissions from 13 submitters: Benign (10). 3 of the submissions do not count toward it. Last evaluated 2026-02-04.

Conditions:
Polycystic kidney disease 4 (PKD4). Also called: POLYCYSTIC KIDNEY AND HEPATIC DISEASE 1; POLYCYSTIC KIDNEY DISEASE, INFANTILE, TYPE I; POLYCYSTIC KIDNEY DISEASE 4 WITH OR WITHOUT POLYCYSTIC LIVER DISEASE; Autosomal Recessive Polycystic Kidney Disease – PKHD1; PKD3. Identifiers: MedGen C4540575, MONDO:0033004, OMIM 263200.
Autosomal recessive polycystic kidney disease (ARPKD). Also called: AR polycystic kidney disease. Identifiers: Orphanet 731, Orphanet 8378, MedGen C0085548, MeSH D017044, MONDO:0009889.
Polycystic kidney disease. Also called: Polycystic kidney dysplasia; Kidney, Polycystic. Identifiers: MedGen C0022680, MeSH D007690, MONDO:0020642, HP:0000113.

Allele frequency attached by ClinVar (database versions not stated): gnomAD 0.05010 and 0.05304; 1000 Genomes Project 30x 0.05996; 1000 Genomes Project 0.06350; ExAC 0.06785; gnomAD exomes 0.06657 and 0.07001; TOPMed 0.04593; ESP Exome Variant Server 0.05021.
gnomAD v4.1: 109,989 of 1,612,894 alleles (6.8%); highest among the groups gnomAD compares: East Asian, 12%; 4,189 homozygotes.

Submissions (13):

Labcorp Genetics (formerly Invitae), Labcorp
Classification: Benign for Autosomal recessive polycystic kidney disease. Last evaluated: 2026-02-04. Review status: criteria provided, single submitter. Criteria: Invitae Variant Classification Sherloc (09022015). Collection method: clinical testing. Allele origin: germline.

Blueprint Genetics
Classification: Benign. Last evaluated: 2024-11-27. Review status: criteria provided, single submitter. Criteria: ACMG Guidelines, 2015. Collection method: clinical testing. Allele origin: germline.

Mayo Clinic Laboratories, Mayo Clinic
Classification: Benign. Last evaluated: 2023-02-15. Review status: criteria provided, single submitter. Criteria: ACMG Guidelines, 2015. Collection method: clinical testing. Allele origin: germline. Observed: 60 variant alleles.
Comment: BA1, BS2, BP4

Pars Genome Lab
Classification: Benign for Polycystic kidney disease 4. Last evaluated: 2021-06-19. Review status: criteria provided, single submitter. Criteria: ACMG Guidelines, 2015. Collection method: clinical testing. Allele origin: germline. Affected: no.

GeneDx
Classification: Benign. Last evaluated: 2018-07-09. Review status: criteria provided, single submitter. Criteria: GeneDx Variant Classification Process June 2021. Collection method: clinical testing. Allele origin: germline. Affected: yes.
Comment: This variant is associated with the following publications: (PMID: 25701400)

SIB Swiss Institute of Bioinformatics
Classification: Benign for Polycystic kidney disease 4. Last evaluated: 2018-05-31. Review status: criteria provided, single submitter. Criteria: ACMG Guidelines, 2015. Collection method: curation. Allele origin: unknown.
Comment: This variant is interpreted as a Benign - Stand Alone, for Polycystic kidney disease 4 with or without polycystic liver disease, in Autosomal Recessive manner. The following ACMG Tag(s) were applied: BA1 => Allele frequency is >5% in Exome Sequencing Project, 1000 Genomes Project, or Exome Aggregation Consortium.

Illumina Laboratory Services, Illumina
Classification: Benign for Polycystic kidney disease 4. Last evaluated: 2018-01-13. Review status: criteria provided, single submitter. Criteria: ICSL Variant Classification Criteria 13 December 2019. Collection method: clinical testing. Allele origin: germline.
Comment: This variant was observed in the ICSL laboratory as part of a predisposition screen in an ostensibly healthy population. It had not been previously curated by ICSL or reported in the Human Gene Mutation Database (HGMD: prior to June 1st, 2018), and was therefore a candidate for classification through an automated scoring system. Utilizing variant allele frequency, disease prevalence and penetrance estimates, and inheritance mode, an automated score was calculated to assess if this variant is too frequent to cause the disease. Based on the score and internal cut-off values, a variant classified as benign is not then subjected to further curation. The score for this variant resulted in a classification of benign for this disease.

Genome Diagnostics Laboratory, University Medical Center Utrecht
Classification: Benign for Polycystic kidney disease 4. Last evaluated: 2017-01-17. Review status: criteria provided, single submitter. Criteria: ACGS Guidelines, 2013. Collection method: clinical testing. Allele origin: germline. Affected: yes. Study: VKGL Data-share Consensus.

Eurofins Ntd Llc (ga)
Classification: Benign. Last evaluated: 2015-10-22. Review status: criteria provided, single submitter. Criteria: EGL Classification Definitions 2015. Collection method: clinical testing. Allele origin: germline. Observed: 17 variant alleles, 14 heterozygotes, 3 homozygotes.

PreventionGenetics, part of Exact Sciences
Classification: Benign. Review status: criteria provided, single submitter. Criteria: ACMG Guidelines, 2015. Collection method: clinical testing. Allele origin: germline.

Natera, Inc.
Classification: Benign for Autosomal recessive polycystic kidney disease. Last evaluated: 2017-05-11. Review status: no assertion criteria provided. Collection method: clinical testing. Allele origin: germline. Not counted in ClinVar's aggregate classification.

Department of Pathology and Laboratory Medicine, Sinai Health System
Classification: Benign for Polycystic Kidney disease. Review status: no assertion criteria provided. Collection method: clinical testing. Allele origin: unknown. Affected: yes. Study: The Canadian Open Genetics Repository (COGR). Not counted in ClinVar's aggregate classification.
Comment: The c.2489A>G, p.Asn830Ser variant was identified in 6.78% of 8237 control alleles in the Exome Aggregation Consortium (March 14, 2016). According to ACMG guidelines for variant classification based on allele frequency, category BA1, this variant is considered benign and has not been further reviewed (Richards 2015).

Diagnostic Laboratory, Department of Genetics, University Medical Center Groningen
Classification: Benign for Polycystic kidney disease 4. Review status: no assertion criteria provided. Collection method: clinical testing. Allele origin: germline. Affected: yes. Study: VKGL Data-share Consensus. Not counted in ClinVar's aggregate classification.